The following is an entry in ClinVar:

ClinVar aggregate classification (germline): Uncertain significance. Review status: criteria provided, multiple submitters, no conflicts (2 of 4 stars). 2 submissions from 2 submitters: Uncertain significance (2). Last evaluated 2022-02-21.

Conditions:
RYR1-related disorder. Also called: RYR1-related condition; RYR1-related disorders. Identifiers: MedGen CN239331.

Allele frequency attached by ClinVar (database versions not stated): gnomAD 0.00001; TOPMed 0.00001.
gnomAD v4.1: 2 of 1,613,328 alleles (0.00012%); highest among the groups gnomAD compares: Non-Finnish European, 0.00017%; no homozygotes.

Submissions (2):

Labcorp Genetics (formerly Invitae), Labcorp
Classification: Uncertain significance for RYR1-related disorder. Last evaluated: 2022-02-21. Review status: criteria provided, single submitter. Criteria: Invitae Variant Classification Sherloc (09022015). Collection method: clinical testing. Allele origin: germline.
Comment: This variant is present in population databases (no rsID available, gnomAD 0.007%). In summary, the available evidence is currently insufficient to determine the role of this variant in disease. Therefore, it has been classified as a Variant of Uncertain Significance. Algorithms developed to predict the effect of missense changes on protein structure and function are either unavailable or do not agree on the potential impact of this missense change (SIFT: "Deleterious"; PolyPhen-2: "Benign"; Align-GVGD: "Class C0"). This variant has not been reported in the literature in individuals affected with RYR1-related conditions. This sequence change replaces serine, which is neutral and polar, with glycine, which is neutral and non-polar, at codon 2261 of the RYR1 protein (p.Ser2261Gly).

Revvity Omics, Revvity
Classification: Uncertain significance. Last evaluated: 2021-04-29. Review status: criteria provided, single submitter. Criteria: ACMG Guidelines, 2015. Collection method: clinical testing. Allele origin: germline.

NM_000540.3(RYR1):c.6781A>G (p.Ser2261Gly)

Gene: RYR1 (ryanodine receptor 1; plus strand). Cytogenetic location: 19q13.2.
Variant type: single nucleotide variant.
Coding change: c.6781A>G on transcript NM_000540.3 (MANE Select); coding-DNA position 6781, A replaced by G.
Protein change: p.Ser2261Gly; replaces serine 2261 with glycine.
Molecular consequence: missense variant.
Genome position (GRCh38, 1-based): chr19:38,496,526, A>G. VCF-style: chr19-38496526-A-G. GRCh37 (hg19) VCF-style: chr19-38987166-A-G.
Other names: c.6781A>G, p.Ser2261Gly (NM_001042723.2); short protein forms S2261G.
Identifiers: ClinVar variation 2169895 (VCV002169895.7), dbSNP rs1198125173, ClinGen allele CA405666408.